The following is an entry in ClinVar:

NM_006231.4(POLE):c.1021-3C>T

Gene: POLE (DNA polymerase epsilon, catalytic subunit; minus strand). Cytogenetic location: 12q24.33.
Variant type: single nucleotide variant.
Coding change: c.1021-3C>T on transcript NM_006231.4 (MANE Select); 3 bases into the intron before coding-DNA position 1021, C replaced by T.
Molecular consequence: intron variant.
Genome position (GRCh38, 1-based): chr12:132,675,823, G>A on the plus strand (C>T on the coding strand, the complement: POLE is on the minus strand). VCF-style: chr12-132675823-G-A. GRCh37 (hg19) VCF-style: chr12-133252409-G-A.
Identifiers: ClinVar variation 2753940 (VCV002753940.3), dbSNP rs2136012213, ClinGen allele CA2697551612.
Genomic context (GRCh38, chr12:132,675,823, plus strand): 5'-CCATGATGGTGGGTTTGGTCTCCTGGACGTGTTCAAACCACCTTTGGATCAGATGAGCCT[G>A]AACCCAAGTCACAGCAGTCAGAGGTCTGCTCTTTCTCTTCTTCAAGCTATTCCAAATTCC-3'

ClinVar aggregate classification (germline): Uncertain significance (1 of 4 stars; one submission).

Submission:

Labcorp Genetics (formerly Invitae), Labcorp
Classification: Uncertain significance. Last evaluated: 2023-08-19. Review status: criteria provided, single submitter. Criteria: Invitae Variant Classification Sherloc (09022015). Collection method: clinical testing. Allele origin: germline.
Comment: This sequence change falls in intron 10 of the POLE gene. It does not directly change the encoded amino acid sequence of the POLE protein. It affects a nucleotide within the consensus splice site. This variant is not present in population databases (gnomAD no frequency). This variant has not been reported in the literature in individuals affected with POLE-related conditions. Variants that disrupt the consensus splice site are a relatively common cause of aberrant splicing (PMID: 17576681, 9536098). Algorithms developed to predict the effect of sequence changes on RNA splicing suggest that this variant is not likely to affect RNA splicing. In summary, the available evidence is currently insufficient to determine the role of this variant in disease. Therefore, it has been classified as a Variant of Uncertain Significance.

Literature cited by the submitters: PubMed 17576681; PubMed 9536098.